The following is an entry in ClinVar:

ClinVar aggregate classification (germline): Uncertain significance (1 of 4 stars; one submission).

Conditions:
Walker-Warburg congenital muscular dystrophy. Also called: Muscular dystrophy-dystroglycanopathy, type A; Walker-Warburg syndrome. Identifiers: Orphanet 899, MedGen C0265221, MONDO:0000171.
Autosomal recessive limb-girdle muscular dystrophy type 2K. Also called: MUSCULAR DYSTROPHY, LIMB-GIRDLE, TYPE 2K; MUSCULAR DYSTROPHY-DYSTROGLYCANOPATHY (LIMB-GIRDLE), TYPE C, 1. Identifiers: Orphanet 86812, MedGen C1836373, MONDO:0012248, OMIM 609308.
Muscular dystrophy-dystroglycanopathy (congenital with impaired intellectual development), type B, 1. Also called: MUSCULAR DYSTROPHY, CONGENITAL, POMT1-RELATED; Muscular dystrophy-dystroglycanopathy (congenital with intellectual disability), type B1. Identifiers: MedGen C5436962, MONDO:0013159, OMIM 613155.

gnomAD v4.1: 1 of 1,613,972 alleles (0.000062%); highest among the groups gnomAD compares: Non-Finnish European, 0.000085%; no homozygotes.

Submission:

Labcorp Genetics (formerly Invitae), Labcorp
Classification: Uncertain significance for Muscular dystrophy-dystroglycanopathy (congenital with impaired intellectual development), type B, 1; Walker-Warburg congenital muscular dystrophy; Autosomal recessive limb-girdle muscular dystrophy type 2K. Last evaluated: 2022-08-23. Review status: criteria provided, single submitter. Criteria: Invitae Variant Classification Sherloc (09022015). Collection method: clinical testing. Allele origin: germline.
Comment: In summary, the available evidence is currently insufficient to determine the role of this variant in disease. Therefore, it has been classified as a Variant of Uncertain Significance. Algorithms developed to predict the effect of missense changes on protein structure and function output the following: SIFT: "Tolerated"; PolyPhen-2: "Benign"; Align-GVGD: "Class C0". The serine amino acid residue is found in multiple mammalian species, which suggests that this missense change does not adversely affect protein function. ClinVar contains an entry for this variant (Variation ID: 1362623). This variant has not been reported in the literature in individuals affected with POMT1-related conditions. This variant is not present in population databases (gnomAD no frequency). This sequence change replaces alanine, which is neutral and non-polar, with serine, which is neutral and polar, at codon 440 of the POMT1 protein (p.Ala440Ser).

NM_001077365.2(POMT1):c.1252G>T (p.Ala418Ser)

Gene: POMT1 (protein O-mannosyltransferase 1; plus strand). Cytogenetic location: 9q34.13.
Variant type: single nucleotide variant.
Coding change: c.1252G>T on transcript NM_001077365.2 (MANE Select); coding-DNA position 1252, G replaced by T.
Protein change: p.Ala418Ser; replaces alanine 418 with serine.
Molecular consequence: missense variant. On other transcripts: non-coding transcript variant (10).
Genome position (GRCh38, 1-based): chr9:131,515,502, G>T. VCF-style: chr9-131515502-G-T. GRCh37 (hg19) VCF-style: chr9-134390889-G-T.
Other names: c.1090G>T, p.Ala364Ser (NM_001077366.2, NM_001353194.2); c.1252G>T, p.Ala418Ser (NM_001136113.2, NM_001374690.1); c.901G>T, p.Ala301Ser (NM_001136114.2, NM_001353195.2, NM_001374691.1 and 2 more transcripts); c.1318G>T, p.Ala440Ser (NM_001353193.2, NM_007171.4); c.1162G>T, p.Ala388Ser (NM_001353196.2); c.1156G>T, p.Ala386Ser (NM_001353197.2, NM_001353198.2); c.967G>T, p.Ala323Ser (NM_001353199.2); c.796G>T, p.Ala266Ser (NM_001353200.2); and 2 more; short protein forms A414S, A364S, A388S, A266S, A288S, A386S, A440S, A301S.
Identifiers: ClinVar variation 1362623 (VCV001362623.8), dbSNP rs142057517, ClinGen allele CA375310139.